The following is an entry in ClinVar:

ClinVar aggregate classification (germline): Likely benign. Review status: reviewed by expert panel (3 of 4 stars). 8 submissions from 8 submitters: Likely benign (1). 7 of the submissions do not count toward it. Last evaluated 2017-06-29.

Conditions:
Hereditary cancer-predisposing syndrome. Also called: Tumor predisposition; Neoplastic Syndromes, Hereditary; Hereditary Cancer Syndrome; Hereditary neoplastic syndrome. Identifiers: Orphanet 140162, MedGen C0027672, MeSH D009386, MONDO:0015356.
Hereditary breast ovarian cancer syndrome. Also called: Hereditary breast and ovarian cancer; Hereditary breast and ovarian cancer syndrome (HBOC); Breast and ovarian cancer; Hereditary breast and/or ovarian cancer syndrome; BRCA1- and BRCA2-Associated Hereditary Breast and Ovarian Cancer; Hereditary breast and ovarian cancer syndrome. Identifiers: Orphanet 145, MedGen C0677776, MeSH D061325, MONDO:0003582. Disease mechanism: loss of function.
Breast-ovarian cancer, familial, susceptibility to, 2 (BROVCA2). Also called: BRCA2 Hereditary Breast and Ovarian Cancer. Identifiers: Orphanet 145, MedGen C2675520, MONDO:0012933, OMIM 612555. Disease mechanism: loss of function.

Allele frequency attached by ClinVar (database versions not stated): gnomAD exomes below 0.00001; ExAC 0.00001.
gnomAD v4.1: 2 of 1,599,426 alleles (0.00013%); highest among the groups gnomAD compares: South Asian, 0.0023%; no homozygotes.

Submissions (8):

Evidence-based Network for the Interpretation of Germline Mutant Alleles (ENIGMA)
Classification: Likely benign for Breast-ovarian cancer, familial, susceptibility to, 2. Last evaluated: 2017-06-29. Review status: reviewed by expert panel. Criteria: ENIGMA BRCA1/2 Classification Criteria (2017-06-29). Collection method: curation. Allele origin: germline.
Comment: Synonymous substitution variant, with low bioinformatic likelihood to result in a splicing aberration (Splicing prior probability 0.02).

Labcorp Genetics (formerly Invitae), Labcorp
Classification: Likely benign for Hereditary breast ovarian cancer syndrome. Last evaluated: 2024-11-06. Review status: criteria provided, single submitter. Criteria: Invitae Variant Classification Sherloc (09022015). Collection method: clinical testing. Allele origin: germline. Not counted in ClinVar's aggregate classification.

CeGaT Center for Human Genetics Tuebingen
Classification: Likely benign. Last evaluated: 2024-06-01. Review status: criteria provided, single submitter. Criteria: CeGaT Center For Human Genetics Tuebingen Variant Classification Criteria Version 2. Collection method: clinical testing. Allele origin: germline. Affected: yes. Observed: 1 variant allele. Not counted in ClinVar's aggregate classification.
Comment: BRCA2: BP4, BP7

All of Us Research Program, National Institutes of Health
Classification: Likely benign for Breast-ovarian cancer, familial, susceptibility to, 2. Last evaluated: 2023-05-31. Review status: criteria provided, single submitter. Criteria: ACMG Guidelines, 2015. Collection method: clinical testing. Allele origin: germline. Inheritance: Autosomal dominant inheritance. Observed: 1 variant allele, 1 heterozygote. Not counted in ClinVar's aggregate classification.
Comment: This study involves interpretation of variants in research participants for the purpose of population health screening. Participant phenotype was not available at the time of variant classification. Additional details can be found in publication PMID: 35346344, PMCID: PMC8962531

Ambry Genetics
Classification: Likely benign for Hereditary cancer-predisposing syndrome. Last evaluated: 2022-04-06. Review status: criteria provided, single submitter. Criteria: Ambry Variant Classification Scheme 2023. Collection method: clinical testing. Allele origin: germline. Not counted in ClinVar's aggregate classification.

Color Diagnostics, LLC DBA Color Health
Classification: Likely benign for Hereditary cancer-predisposing syndrome. Last evaluated: 2021-11-23. Review status: criteria provided, single submitter. Criteria: ACMG Guidelines, 2015. Collection method: clinical testing. Allele origin: germline. Not counted in ClinVar's aggregate classification.

GeneDx
Classification: Likely benign. Last evaluated: 2017-11-20. Review status: criteria provided, single submitter. Criteria: GeneDx Variant Classification (06012015). Collection method: clinical testing. Allele origin: germline. Affected: yes. Not counted in ClinVar's aggregate classification.
Comment: This variant is considered likely benign or benign based on one or more of the following criteria: it is a conservative change, it occurs at a poorly conserved position in the protein, it is predicted to be benign by multiple in silico algorithms, and/or has population frequency not consistent with disease.

Quest Diagnostics Nichols Institute San Juan Capistrano
Classification: Likely benign. Last evaluated: 2017-06-18. Review status: criteria provided, single submitter. Criteria: Quest Diagnostics criteria. Collection method: clinical testing. Allele origin: germline. Not counted in ClinVar's aggregate classification.

NM_000059.4(BRCA2):c.4371G>A (p.Leu1457=)

Gene: BRCA2 (BRCA2 DNA repair associated; plus strand). Cytogenetic location: 13q13.1.
Variant type: single nucleotide variant.
Coding change: c.4371G>A on transcript NM_000059.4 (MANE Select); coding-DNA position 4371, G replaced by A.
Protein change: p.Leu1457=; no amino-acid change (leucine 1457 retained).
Molecular consequence: synonymous variant.
Genome position (GRCh38, 1-based): chr13:32,338,726, G>A. VCF-style: chr13-32338726-G-A. GRCh37 (hg19) VCF-style: chr13-32912863-G-A.
Identifiers: ClinVar variation 184037 (VCV000184037.39), dbSNP rs755130086, ClinGen allele CA020045.
Genomic context (GRCh38, chr13:32,338,726, plus strand): 5'-TGTCGCCAAAGAGTCATTTAATAAAATTGTAAATTTCTTTGATCAGAAACCAGAAGAATT[G>A]CATAACTTTTCCTTAAATTCTGAATTACATTCTGACATAAGAAAGAACAAAATGGACATT-3'
Protein context (NP_000050.3, residues 1447-1467): VNFFDQKPEE[Leu1457=]HNFSLNSELH